The following is an entry in ClinVar:

NM_017677.4(MTMR8):c.1849G>C (p.Gly617Arg)

Gene: MTMR8 (myotubularin related protein 8; minus strand). Cytogenetic location: Xq11.2.
Variant type: single nucleotide variant.
Coding change: c.1849G>C on transcript NM_017677.4 (MANE Select); coding-DNA position 1849, G replaced by C.
Protein change: p.Gly617Arg; replaces glycine 617 with arginine.
Molecular consequence: missense variant.
Genome position (GRCh38, 1-based): chrX:64,268,803, C>G on the plus strand (G>C on the coding strand, the complement: MTMR8 is on the minus strand). VCF-style: chrX-64268803-C-G. GRCh37 (hg19) VCF-style: chrX-63488683-C-G.
Other names: short protein forms G617R.
Identifiers: ClinVar variation 2660750 (VCV002660750.23), dbSNP rs377185512, ClinGen allele CA10432814.
Genomic context (GRCh38, chrX:64,268,803, plus strand): 5'-AGATGCCCATGGCCTCAGAGATGCCCACATCCCCAGAGATATTTATGGCCCTAAGGCTGC[C>G]CACAATCTCACAACAGTTATGGTGGAGGTCTGCACCCTGGCTTTTTACTTGATCCATCTG-3'
Protein context (NP_060147.2, residues 607-627): DLHHNCCEIV[Gly617Arg]SLRAINISGD

ClinVar aggregate classification (germline): Likely benign (1 of 4 stars; one submission).

Allele frequency attached by ClinVar (database versions not stated): TOPMed 0.00001; gnomAD 0.00002; ExAC 0.00006; ESP Exome Variant Server 0.00009; 1000 Genomes Project 30x 0.00021; 1000 Genomes Project 0.00026.
gnomAD v4.1: 36 of 1,209,652 alleles (0.003%); highest among the groups gnomAD compares: South Asian, 0.062%; no homozygotes.

Submission:

CeGaT Center for Human Genetics Tuebingen
Classification: Likely benign. Last evaluated: 2023-03-01. Review status: criteria provided, single submitter. Criteria: CeGaT Center For Human Genetics Tuebingen Variant Classification Criteria Version 2. Collection method: clinical testing. Allele origin: germline. Affected: yes. Observed: 1 variant allele.
Comment: MTMR8: BS2